The following is an entry in ClinVar:

ClinVar aggregate classification (germline): Uncertain significance (1 of 4 stars; one submission).

Submission:

Ambry Genetics
Classification: Uncertain significance. Last evaluated: 2025-05-10. Review status: criteria provided, single submitter. Criteria: Ambry Variant Classification Scheme 2023. Collection method: clinical testing. Allele origin: germline.
Comment: The p.S36C variant (also known as c.106A>T), located in coding exon 1 of the KIF1B gene, results from an A to T substitution at nucleotide position 106. The amino acid change results in serine to cysteine at codon 36, an amino acid with dissimilar properties. However, this change occurs in the last base pair of coding exon 1, which makes it likely to have some effect on normal mRNA splicing. This amino acid position is well conserved in available vertebrate species. In addition, the in silico prediction for this alteration is inconclusive. The evidence for this gene-disease relationship is limited; therefore, the clinical significance of this alteration is unclear.

NM_001365951.3(KIF1B):c.106A>T (p.Ser36Cys)

Genes: KIF1B (kinesin family member 1B; plus strand), LOC129388446 (MPRA-validated peak64 silencer; plus strand). Cytogenetic location: 1p36.22.
Variant type: single nucleotide variant.
Coding change: c.106A>T on transcript NM_001365951.3 (MANE Select); coding-DNA position 106, A replaced by T.
Protein change: p.Ser36Cys; replaces serine 36 with cysteine.
Molecular consequence: missense variant.
Genome position (GRCh38, 1-based): chr1:10,232,434, A>T. VCF-style: chr1-10232434-A-T. GRCh37 (hg19) VCF-style: chr1-10292492-A-T.
Other names: c.106A>T, p.Ser36Cys (NM_001365952.1, NM_001365953.1, NM_015074.3 and 1 more transcripts); short protein forms S36C.
Identifiers: ClinVar variation 4043121 (VCV004043121.1).